The following is an entry in ClinVar:

ClinVar aggregate classification (germline): Uncertain significance (1 of 4 stars; one submission).

Conditions:
Gorlin syndrome. Also called: Nevoid Basal Cell Carcinoma Syndrome; Basal cell nevus syndrome. Identifiers: Orphanet 377, MedGen C0004779, MONDO:0007187.

Submission:

Labcorp Genetics (formerly Invitae), Labcorp
Classification: Uncertain significance for Gorlin syndrome. Last evaluated: 2025-06-15. Review status: criteria provided, single submitter. Criteria: Invitae Variant Classification Sherloc (09022015). Collection method: clinical testing. Allele origin: germline.
Comment: This sequence change replaces alanine, which is neutral and non-polar, with glycine, which is neutral and non-polar, at codon 1265 of the PTCH1 protein (p.Ala1265Gly). This variant is not present in population databases (gnomAD no frequency). This variant has not been reported in the literature in individuals affected with PTCH1-related conditions. Invitae Evidence Modeling of protein sequence and biophysical properties (such as structural, functional, and spatial information, amino acid conservation, physicochemical variation, residue mobility, and thermodynamic stability) indicates that this missense variant is not expected to disrupt PTCH1 protein function with a negative predictive value of 95%. In summary, the available evidence is currently insufficient to determine the role of this variant in disease. Therefore, it has been classified as a Variant of Uncertain Significance.

NM_000264.5(PTCH1):c.3794C>G (p.Ala1265Gly)

Gene: PTCH1 (patched 1; minus strand). Cytogenetic location: 9q22.32.
Variant type: single nucleotide variant.
Coding change: c.3794C>G on transcript NM_000264.5 (MANE Select); coding-DNA position 3794, C replaced by G.
Protein change: p.Ala1265Gly; replaces alanine 1265 with glycine.
Molecular consequence: missense variant. On other transcripts: non-coding transcript variant (1).
Genome position (GRCh38, 1-based): chr9:95,449,079, G>C on the plus strand (C>G on the coding strand, the complement: PTCH1 is on the minus strand). VCF-style: chr9-95449079-G-C. GRCh37 (hg19) VCF-style: chr9-98211361-G-C.
Other names: c.3596C>G, p.Ala1199Gly (NM_001083602.3); c.3791C>G, p.Ala1264Gly (NM_001083603.3); c.3341C>G, p.Ala1114Gly (NM_001083604.3, NM_001083605.3, NM_001083606.3 and 1 more transcripts); c.3638C>G, p.Ala1213Gly (NM_001354918.2); short protein forms A1264G, A1114G, A1265G, A1199G, A1213G.
Identifiers: ClinVar variation 4766808 (VCV004766808.1).